The following is an entry in ClinVar:

ClinVar aggregate classification (germline): Uncertain significance (1 of 4 stars; one submission).

Submission:

GeneDx
Classification: Uncertain significance. Last evaluated: 2020-07-07. Review status: criteria provided, single submitter. Criteria: GeneDx Variant Classification Process June 2021. Collection method: clinical testing. Allele origin: germline. Affected: yes.
Comment: Not observed in large population cohorts (Lek et al., 2016); In silico analysis supports that this missense variant does not alter protein structure/function; Has not been previously published as pathogenic or benign to our knowledge

NM_001008537.3(NEXMIF):c.213G>T (p.Lys71Asn)

Gene: NEXMIF (neurite extension and migration factor; minus strand). Cytogenetic location: Xq13.3.
Variant type: single nucleotide variant.
Coding change: c.213G>T on transcript NM_001008537.3 (MANE Select); coding-DNA position 213, G replaced by T.
Protein change: p.Lys71Asn; replaces lysine 71 with asparagine.
Molecular consequence: missense variant.
Genome position (GRCh38, 1-based): chrX:74,744,344, C>A on the plus strand (G>T on the coding strand, the complement: NEXMIF is on the minus strand). VCF-style: chrX-74744344-C-A. GRCh37 (hg19) VCF-style: chrX-73964179-C-A.
Other names: short protein forms K71N.
Identifiers: ClinVar variation 1190649 (VCV001190649.2), dbSNP rs2147441845, ClinGen allele CA413674082.